The following is an entry in ClinVar:

ClinVar aggregate classification (germline): Uncertain significance (1 of 4 stars; one submission).

Conditions:
Hereditary cancer-predisposing syndrome. Also called: Tumor predisposition; Hereditary neoplastic syndrome; Hereditary Cancer Syndrome; Neoplastic Syndromes, Hereditary. Identifiers: Orphanet 140162, MedGen C0027672, MeSH D009386, MONDO:0015356.

Submission:

Ambry Genetics
Classification: Uncertain significance for Hereditary cancer-predisposing syndrome. Last evaluated: 2022-12-05. Review status: criteria provided, single submitter. Criteria: Ambry Variant Classification Scheme 2023. Collection method: clinical testing. Allele origin: germline.
Comment: The p.D128N variant (also known as c.382G>A), located in coding exon 3 of the EPCAM gene, results from a G to A substitution at nucleotide position 382. The aspartic acid at codon 128 is replaced by asparagine, an amino acid with highly similar properties. This amino acid position is conserved. In addition, this alteration is predicted to be tolerated by in silico analysis. Since supporting evidence is limited at this time, the clinical significance of this alteration remains unclear.

NM_002354.3(EPCAM):c.382G>A (p.Asp128Asn)

Gene: EPCAM (epithelial cell adhesion molecule; plus strand). Cytogenetic location: 2p21.
Variant type: single nucleotide variant.
Coding change: c.382G>A on transcript NM_002354.3 (MANE Select); coding-DNA position 382, G replaced by A.
Protein change: p.Asp128Asn; replaces aspartic acid 128 with asparagine.
Molecular consequence: missense variant.
Genome position (GRCh38, 1-based): chr2:47,374,005, G>A. VCF-style: chr2-47374005-G-A. GRCh37 (hg19) VCF-style: chr2-47601144-G-A.
Other names: short protein forms D128N.
Identifiers: ClinVar variation 3222106 (VCV003222106.1), dbSNP rs1048436074, ClinGen allele CA346723410.